The following is an entry in ClinVar:

NM_001371986.1(UNC80):c.1321A>T (p.Asn441Tyr)

Gene: UNC80 (unc-80 homolog, NALCN channel complex subunit; plus strand). Cytogenetic location: 2q34.
Variant type: single nucleotide variant.
Coding change: c.1321A>T on transcript NM_001371986.1 (MANE Select); coding-DNA position 1321, A replaced by T.
Protein change: p.Asn441Tyr; replaces asparagine 441 with tyrosine.
Molecular consequence: missense variant.
Genome position (GRCh38, 1-based): chr2:209,815,377, A>T. VCF-style: chr2-209815377-A-T. GRCh37 (hg19) VCF-style: chr2-210680101-A-T.
Other names: c.1321A>T, p.Asn441Tyr (NM_032504.2, NM_182587.4); short protein forms N441Y.
Identifiers: ClinVar variation 1464865 (VCV001464865.3), dbSNP rs953754278, ClinGen allele CA64665622.
Genomic context (GRCh38, chr2:209,815,377, plus strand): 5'-GTTTCACTGACCAATCTGCGTAGATCTGCAGTCCCAGATCTTTCTTCAGACCTGGGCATG[A>T]ATATTTTTAAAAAGGTGAGTAGAAATGCTTATGCTCTTTGATATTTTGGTAAATAAAAAA-3'
Protein context (NP_001358915.1, residues 431-451): VPDLSSDLGM[Asn441Tyr]IFKKFKSRKE

ClinVar aggregate classification (germline): Uncertain significance (1 of 4 stars; one submission).

Allele frequency attached by ClinVar (database versions not stated): TOPMed 0.00001; gnomAD exomes 0.00001; gnomAD 0.00001.
gnomAD v4.1: 8 of 1,551,048 alleles (0.00052%); highest among the groups gnomAD compares: Non-Finnish European, 0.0007%; no homozygotes.

Submission:

Labcorp Genetics (formerly Invitae), Labcorp
Classification: Uncertain significance. Last evaluated: 2022-07-12. Review status: criteria provided, single submitter. Criteria: Invitae Variant Classification Sherloc (09022015). Collection method: clinical testing. Allele origin: germline.
Comment: This sequence change replaces asparagine, which is neutral and polar, with tyrosine, which is neutral and polar, at codon 441 of the UNC80 protein (p.Asn441Tyr). This variant is present in population databases (no rsID available, gnomAD 0.002%). This variant has not been reported in the literature in individuals affected with UNC80-related conditions. ClinVar contains an entry for this variant (Variation ID: 1464865). Algorithms developed to predict the effect of missense changes on protein structure and function are either unavailable or do not agree on the potential impact of this missense change (SIFT: "Not Available"; PolyPhen-2: "Probably Damaging"; Align-GVGD: "Not Available"). In summary, the available evidence is currently insufficient to determine the role of this variant in disease. Therefore, it has been classified as a Variant of Uncertain Significance.